The following is an entry in ClinVar:

NM_013275.6(ANKRD11):c.6307C>G (p.Leu2103Val)

Gene: ANKRD11 (ankyrin repeat domain 11; minus strand). Cytogenetic location: 16q24.3.
Variant type: single nucleotide variant.
Coding change: c.6307C>G on transcript NM_013275.6 (MANE Select); coding-DNA position 6307, C replaced by G.
Protein change: p.Leu2103Val; replaces leucine 2103 with valine.
Molecular consequence: missense variant.
Genome position (GRCh38, 1-based): chr16:89,280,235, G>C on the plus strand (C>G on the coding strand, the complement: ANKRD11 is on the minus strand). VCF-style: chr16-89280235-G-C. GRCh37 (hg19) VCF-style: chr16-89346643-G-C.
Other names: c.6307C>G, p.Leu2103Val (NM_001256182.2, NM_001256183.2); c.6307C>G (NM_013275.4); short protein forms L2103V.
Identifiers: ClinVar variation 2052647 (VCV002052647.5), dbSNP rs749215903, ClinGen allele CA8241502.

ClinVar aggregate classification (germline): Conflicting classifications of pathogenicity. Review status: criteria provided, conflicting classifications (1 of 4 stars). 2 submissions from 2 submitters: Uncertain significance (1); Likely benign (1). Last evaluated 2025-02-27.

Conditions:
Inborn genetic diseases. Identifiers: MedGen C0950123, MeSH D030342.
KBG syndrome (KBGS). Also called: ANKRD11-Related KBG Syndrome. Identifiers: Orphanet 2332, MedGen C0220687, MONDO:0007846, OMIM 148050.

Allele frequency attached by ClinVar (database versions not stated): gnomAD 0.00001; ExAC 0.00004.
gnomAD v4.1: 13 of 1,608,346 alleles (0.00081%); highest among the groups gnomAD compares: Admixed American, 0.022%; no homozygotes.

Submissions (2):

Labcorp Genetics (formerly Invitae), Labcorp
Classification: Uncertain significance for KBG syndrome. Last evaluated: 2025-02-27. Review status: criteria provided, single submitter. Criteria: Invitae Variant Classification Sherloc (09022015). Collection method: clinical testing. Allele origin: germline.
Comment: This sequence change replaces leucine, which is neutral and non-polar, with valine, which is neutral and non-polar, at codon 2103 of the ANKRD11 protein (p.Leu2103Val). This variant is present in population databases (rs749215903, gnomAD 0.02%). This variant has not been reported in the literature in individuals affected with ANKRD11-related conditions. ClinVar contains an entry for this variant (Variation ID: 2052647). Invitae Evidence Modeling of protein sequence and biophysical properties (such as structural, functional, and spatial information, amino acid conservation, physicochemical variation, residue mobility, and thermodynamic stability) indicates that this missense variant is not expected to disrupt ANKRD11 protein function with a negative predictive value of 95%. In summary, the available evidence is currently insufficient to determine the role of this variant in disease. Therefore, it has been classified as a Variant of Uncertain Significance.

Ambry Genetics
Classification: Likely benign for Inborn genetic diseases. Last evaluated: 2024-09-27. Review status: criteria provided, single submitter. Criteria: Ambry Variant Classification Scheme 2023. Collection method: clinical testing. Allele origin: germline.